The following is an entry in ClinVar:

ClinVar aggregate classification (germline): Uncertain significance (1 of 4 stars; one submission).

Conditions:
Idiopathic generalized epilepsy. Also called: Generalised epilepsy; EIG. Identifiers: MedGen C0270850, MONDO:0005579, OMIM 600669.
Hyperaldosteronism, familial, type IV (HALD4). Also called: FH IV; ALDOSTERONISM, PRIMARY, AND HYPERTENSION. Identifiers: Orphanet 642671, MedGen C4310756, MONDO:0014875, OMIM 617027.

Allele frequency attached by ClinVar (database versions not stated): gnomAD exomes below 0.00001 and 0.00001; gnomAD 0.00001; ExAC 0.00002.

Submission:

Labcorp Genetics (formerly Invitae), Labcorp
Classification: Uncertain significance for Idiopathic generalized epilepsy; Hyperaldosteronism, familial, type IV. Last evaluated: 2022-09-07. Review status: criteria provided, single submitter. Criteria: Invitae Variant Classification Sherloc (09022015). Collection method: clinical testing. Allele origin: germline.
Comment: In summary, the available evidence is currently insufficient to determine the role of this variant in disease. Therefore, it has been classified as a Variant of Uncertain Significance. Algorithms developed to predict the effect of missense changes on protein structure and function are either unavailable or do not agree on the potential impact of this missense change (SIFT: "Tolerated"; PolyPhen-2: "Probably Damaging"; Align-GVGD: "Class C0"). ClinVar contains an entry for this variant (Variation ID: 1002098). This variant has not been reported in the literature in individuals affected with CACNA1H-related conditions. This variant is present in population databases (rs763029586, gnomAD 0.002%). This sequence change replaces methionine, which is neutral and non-polar, with leucine, which is neutral and non-polar, at codon 183 of the CACNA1H protein (p.Met183Leu).

NM_021098.3(CACNA1H):c.547A>C (p.Met183Leu)

Gene: CACNA1H (calcium voltage-gated channel subunit alpha1 H; plus strand). Cytogenetic location: 16p13.3.
Variant type: single nucleotide variant.
Coding change: c.547A>C on transcript NM_021098.3 (MANE Select); coding-DNA position 547, A replaced by C.
Protein change: p.Met183Leu; replaces methionine 183 with leucine.
Molecular consequence: missense variant.
Genome position (GRCh38, 1-based): chr16:1,195,927, A>C. VCF-style: chr16-1195927-A-C. GRCh37 (hg19) VCF-style: chr16-1245927-A-C.
Other names: c.547A>C, p.Met183Leu (NM_001005407.2); short protein forms M183L.
Identifiers: ClinVar variation 1002098 (VCV001002098.8), dbSNP rs763029586, ClinGen allele CA7799489.